The following is an entry in ClinVar:

ClinVar aggregate classification (germline): Likely benign. Review status: criteria provided, multiple submitters, no conflicts (2 of 4 stars). 4 submissions from 4 submitters: Likely benign (4). Last evaluated 2026-01-19.

Conditions:
DSP-related disorder. Also called: DSP-related disorders; DSP-related condition.
Arrhythmogenic right ventricular dysplasia 8 (ARVD8). Also called: Arrhythmogenic Right Ventricular Dysplasia/Cardiomyopathy 8; ARRHYTHMOGENIC RIGHT VENTRICULAR DYSPLASIA, FAMILIAL, 8; ARRHYTHMOGENIC RIGHT VENTRICULAR CARDIOMYOPATHY 8. Identifiers: MedGen C1843896, MONDO:0011831, OMIM 607450.
Arrhythmogenic cardiomyopathy with wooly hair and keratoderma. Also called: Arrhythmogenic cardiomyopathy with woolly hair and keratoderma; PALMOPLANTAR KERATODERMA WITH LEFT VENTRICULAR CARDIOMYOPATHY AND WOOLLY HAIR; Carvajal syndrome; Dilated cardiomyopathy with woolly hair and keratoderma. Identifiers: Orphanet 65282, MedGen C1854063, MONDO:0011581, OMIM 605676.
Cardiomyopathy (CMYO). Also called: Cardiomyopathies. Identifiers: Orphanet 167848, MedGen C0878544, MONDO:0004994, HP:0001638. Inheritance: Various modes of inheritance.

Allele frequency attached by ClinVar (database versions not stated): gnomAD exomes 0.00001 and 0.00004; ExAC 0.00004; ESP Exome Variant Server 0.00023; TOPMed 0.00027; gnomAD 0.00030 and 0.00031; 1000 Genomes Project 0.00040; 1000 Genomes Project 30x 0.00047.
gnomAD v4.1: 69 of 1,614,188 alleles (0.0043%); highest among the groups gnomAD compares: African/African-American, 0.08%; no homozygotes.

Submissions (4):

Labcorp Genetics (formerly Invitae), Labcorp
Classification: Likely benign for Arrhythmogenic cardiomyopathy with wooly hair and keratoderma; Arrhythmogenic right ventricular dysplasia 8. Last evaluated: 2026-01-19. Review status: criteria provided, single submitter. Criteria: Invitae Variant Classification Sherloc (09022015). Collection method: clinical testing. Allele origin: germline.

PreventionGenetics, part of Exact Sciences
Classification: Likely benign for DSP-related condition. Last evaluated: 2025-05-12. Review status: criteria provided, single submitter. Criteria: ACMG Guidelines, 2015. Collection method: clinical testing. Allele origin: germline.
Comment: This variant is classified as likely benign based on ACMG/AMP sequence variant interpretation guidelines (Richards et al. 2015 PMID: 25741868, with internal and published modifications).

Blueprint Genetics
Classification: Likely benign. Last evaluated: 2019-06-12. Review status: criteria provided, single submitter. Criteria: ACMG Guidelines, 2015. Collection method: clinical testing. Allele origin: germline.

CHEO Genetics Diagnostic Laboratory, Children's Hospital of Eastern Ontario
Classification: Likely benign for Cardiomyopathy. Last evaluated: 2018-07-04. Review status: criteria provided, single submitter. Criteria: ACMG Guidelines, 2015. Collection method: clinical testing. Allele origin: germline.

NM_004415.4(DSP):c.1574+7C>T

Gene: DSP (desmoplakin; plus strand). Cytogenetic location: 6p24.3.
Variant type: single nucleotide variant.
Coding change: c.1574+7C>T on transcript NM_004415.4 (MANE Select); 7 bases into the intron after coding-DNA position 1574, C replaced by T.
Molecular consequence: intron variant.
Genome position (GRCh38, 1-based): chr6:7,569,347, C>T. VCF-style: chr6-7569347-C-T. GRCh37 (hg19) VCF-style: chr6-7569580-C-T.
Other names: c.1574+7C>T (LRG_423t1, NM_004415.3, NM_001319034.2 and 1 more transcripts).
Identifiers: ClinVar variation 465883 (VCV000465883.15), dbSNP rs375717504, ClinGen allele CA028867.